The following is an entry in ClinVar:

ClinVar aggregate classification (germline): Uncertain significance. Review status: criteria provided, multiple submitters, no conflicts (2 of 4 stars). 2 submissions from 2 submitters: Uncertain significance (2). Last evaluated 2024-10-24.

Conditions:
LAMA2-related muscular dystrophy (LAMA2-RD). Also called: Laminin alpha 2-related dystrophy. Identifiers: MedGen C5679788, MONDO:0100228.

Allele frequency attached by ClinVar (database versions not stated): ExAC 0.00003; ESP Exome Variant Server 0.00008.
gnomAD v4.1: 32 of 1,610,716 alleles (0.002%); highest among the groups gnomAD compares: South Asian, 0.0055%; 1 homozygote.

Submissions (2):

GeneDx
Classification: Uncertain significance. Last evaluated: 2024-10-24. Review status: criteria provided, single submitter. Criteria: GeneDx Variant Classification Process June 2021. Collection method: clinical testing. Allele origin: germline. Affected: yes.
Comment: Not observed at significant frequency in large population cohorts (gnomAD); In silico analysis supports that this missense variant has a deleterious effect on protein structure/function; Has not been previously published as pathogenic or benign to our knowledge; In silico analysis suggests this variant may impact gene splicing. In the absence of RNA/functional studies, the actual effect of this sequence change is unknown.

Labcorp Genetics (formerly Invitae), Labcorp
Classification: Uncertain significance for LAMA2-related muscular dystrophy. Last evaluated: 2022-10-05. Review status: criteria provided, single submitter. Criteria: Invitae Variant Classification Sherloc (09022015). Collection method: clinical testing. Allele origin: germline.
Comment: This sequence change replaces arginine, which is basic and polar, with cysteine, which is neutral and slightly polar, at codon 2231 of the LAMA2 protein (p.Arg2231Cys). This variant is present in population databases (rs374815503, gnomAD 0.007%). This variant has not been reported in the literature in individuals affected with LAMA2-related conditions. ClinVar contains an entry for this variant (Variation ID: 1370582). Advanced modeling of protein sequence and biophysical properties (such as structural, functional, and spatial information, amino acid conservation, physicochemical variation, residue mobility, and thermodynamic stability) performed at Invitae indicates that this missense variant is not expected to disrupt LAMA2 protein function. Algorithms developed to predict the effect of sequence changes on RNA splicing suggest that this variant may create or strengthen a splice site. In summary, the available evidence is currently insufficient to determine the role of this variant in disease. Therefore, it has been classified as a Variant of Uncertain Significance.

NM_000426.4(LAMA2):c.6691C>T (p.Arg2231Cys)

Gene: LAMA2 (laminin subunit alpha 2; plus strand). Cytogenetic location: 6q22.33.
Variant type: single nucleotide variant.
Coding change: c.6691C>T on transcript NM_000426.4 (MANE Select); coding-DNA position 6691, C replaced by T.
Protein change: p.Arg2231Cys; replaces arginine 2231 with cysteine.
Molecular consequence: missense variant.
Genome position (GRCh38, 1-based): chr6:129,454,272, C>T. VCF-style: chr6-129454272-C-T. GRCh37 (hg19) VCF-style: chr6-129775417-C-T.
Other names: c.6691C>T (NM_000426.3); c.6691C>T, p.Arg2231Cys (NM_001079823.2); short protein forms R2231C.
Identifiers: ClinVar variation 1370582 (VCV001370582.6), dbSNP rs374815503, ClinGen allele CA3994330.